The following is an entry in ClinVar:

NM_002109.6(HARS1):c.1047A>G (p.Glu349=)

Gene: HARS1 (histidyl-tRNA synthetase 1; minus strand). Cytogenetic location: 5q31.3.
Variant type: single nucleotide variant.
Coding change: c.1047A>G on transcript NM_002109.6 (MANE Select); coding-DNA position 1047, A replaced by G.
Protein change: p.Glu349=; no amino-acid change (glutamic acid 349 retained).
Molecular consequence: synonymous variant.
Genome position (GRCh38, 1-based): chr5:140,676,801, T>C on the plus strand (A>G on the coding strand, the complement: HARS1 is on the minus strand). VCF-style: chr5-140676801-T-C. GRCh37 (hg19) VCF-style: chr5-140056386-T-C.
Other names: c.927A>G, p.Glu309= (NM_001258040.3); c.987A>G, p.Glu329= (NM_001258041.3); c.867A>G, p.Glu289= (NM_001258042.3); c.825A>G, p.Glu275= (NM_001289092.2); c.705A>G, p.Glu235= (NM_001289093.2); c.960A>G, p.Glu320= (NM_001289094.2).
Identifiers: ClinVar variation 666700 (VCV000666700.6), dbSNP rs1581504369, ClinGen allele CA446804111.
Genomic context (GRCh38, chr5:140,676,801, plus strand): 5'-CATGCCCACTAGCCCATCATAGCGTCCTCCAGCAGCCACACTGCCCACACCCAGGGGCTC[T>C]TCCCCTGCCTGGGCTGGGGTCTGTAGCAGCACTGCCTCATAGATCACCCCAGTGTAGTAA-3'
Protein context (NP_002100.2, residues 339-359): VLLQTPAQAG[Glu349=]EPLGVGSVAA

ClinVar aggregate classification (germline): Likely benign. Review status: criteria provided, multiple submitters, no conflicts (2 of 4 stars). 2 submissions from 2 submitters: Likely benign (2). Last evaluated 2024-08-02.

Conditions:
Usher syndrome type 3B. Also called: USHER SYNDROME, TYPE IIIB. Identifiers: MedGen C3281066, MONDO:0013788, OMIM 614504.

Allele frequency attached by ClinVar (database versions not stated): gnomAD exomes below 0.00001.
gnomAD v4.1: 1 of 1,614,264 alleles (0.000062%); highest among the groups gnomAD compares: Non-Finnish European, 0.000085%; no homozygotes.

Submissions (2):

Labcorp Genetics (formerly Invitae), Labcorp
Classification: Likely benign for Usher syndrome type 3B. Last evaluated: 2024-08-02. Review status: criteria provided, single submitter. Criteria: Invitae Variant Classification Sherloc (09022015). Collection method: clinical testing. Allele origin: germline.

Laboratory for Molecular Medicine, Mass General Brigham Personalized Medicine
Classification: Likely benign. Last evaluated: 2018-02-28. Review status: criteria provided, single submitter. Criteria: LMM Criteria. Collection method: clinical testing. Allele origin: germline. Observed: 1 variant allele.
Comment: p.Glu349Glu in exon 10 of HARS: This variant is classified as likely benign beca use it does not alter an amino acid residue and is not located within the splice consensus sequence. ACMG/AMP Criteria applied: PM2; BP4; BP7.